The following is an entry in ClinVar:

NC_000023.10:g.(?_103031918)_(103045531_?)dup

Gene: PLP1 (proteolipid protein 1; plus strand). Cytogenetic location: Xq22.2.
Variant type: Duplication.
Identifiers: ClinVar variation 267338 (VCV000267338.5).

ClinVar aggregate classification (germline): Pathogenic (1 of 4 stars; one submission).

Conditions:
Hereditary spastic paraplegia 2 (SPG2). Also called: SPASTIC PARAPLEGIA 2, X-LINKED; Spastic Paraplegia 2 (SPG2). Identifiers: Orphanet 99015, MedGen C0751604, MONDO:0010733, OMIM 312920.

Submission:

Labcorp Genetics (formerly Invitae), Labcorp
Classification: Pathogenic for Hereditary spastic paraplegia 2. Last evaluated: 2016-05-22. Review status: criteria provided, single submitter. Criteria: Invitae Variant Classification Sherloc (09022015). Collection method: clinical testing. Allele origin: germline.
Comment: For these reasons, this variant has been classified as Pathogenic. A gross duplication of the genomic region encompassing the full coding sequence of the PLP1 gene has been identified. The boundaries of this event are unknown as the duplication extends beyond the assayed region for this gene and therefore may encompass additional genes. As the precise location of this duplication is unknown, it may be in tandem or it may be located elsewhere in the genome. Whole gene duplication of PLP1 has been reported in many individuals affected with Pelizaeus-Merzbacher disease (PMID: 9634530, 10417279,¬†16380909,¬†18160035, 19328639).

Literature cited by the submitters: PubMed 9634530; PubMed 10417279.